The following is an entry in ClinVar:

NM_004183.4(BEST1):c.73C>T (p.Arg25Trp)

Gene: BEST1 (bestrophin 1; plus strand). Cytogenetic location: 11q12.3.
Variant type: single nucleotide variant.
Coding change: c.73C>T on transcript NM_004183.4 (MANE Select); coding-DNA position 73, C replaced by T.
Protein change: p.Arg25Trp; replaces arginine 25 with tryptophan.
Molecular consequence: missense variant. On other transcripts: intron variant (6), non-coding transcript variant (1).
Genome position (GRCh38, 1-based): chr11:61,951,879, C>T. VCF-style: chr11-61951879-C-T. GRCh37 (hg19) VCF-style: chr11-61719351-C-T.
Other names: c.-29+1452C>T (NM_001300786.2, NM_001440575.1, NM_001440576.1 and 3 more transcripts); c.73C>T, p.Arg25Trp (NM_001363592.2, NM_001440571.1, NM_001440572.1 and 1 more transcripts); short protein forms R25W.
Identifiers: ClinVar variation 99751 (VCV000099751.12), dbSNP rs281865214, ClinGen allele CA227817.
Genomic context (GRCh38, chr11:61,951,879, plus strand): 5'-TACACAAGCCAAGTGGCTAATGCCCGCTTAGGCTCCTTCTCCCGCCTGCTGCTGTGCTGG[C>T]GGGGCAGCATCTACAAGCTGCTATATGGCGAGTTCTTAATCTTCCTGCTCTGCTACTACA-3'
Protein context (NP_004174.1, residues 15-35): GSFSRLLLCW[Arg25Trp]GSIYKLLYGE

ClinVar aggregate classification (germline): Pathogenic/Likely pathogenic. Review status: criteria provided, multiple submitters, no conflicts (2 of 4 stars). 6 submissions from 6 submitters: Pathogenic (4); Likely pathogenic (1). 1 of the submissions does not count toward it. Last evaluated 2026-02-10.

Conditions:
Retinal dystrophy. Also called: Inherited retinal dystrophy. Identifiers: Orphanet 71862, MedGen C0854723, MeSH D058499, MONDO:0019118, HP:0000556.
Vitelliform macular dystrophy 2. Also called: Best Macular Dystrophy; Best vitelliform macular dystrophy, multifocal; Best Vitelliform Macular Dystrophy (BVMD); MACULAR DEGENERATION, POLYMORPHIC VITELLINE; VITELLIFORM MACULAR DYSTROPHY, EARLY-ONSET; VITELLIFORM MACULAR DYSTROPHY, JUVENILE-ONSET. Identifiers: Orphanet 1243, MedGen C2745945, MONDO:0007931, OMIM 153700.
BEST1-related disorder. Also called: BEST1-related disorders; BEST1-related condition. Identifiers: MedGen CN239200.

Allele frequency attached by ClinVar (database versions not stated): TOPMed 0.00002.
gnomAD v4.1: 6 of 1,613,352 alleles (0.00037%); highest among the groups gnomAD compares: African/African-American, 0.0027%; no homozygotes.

Submissions (6):

Institute of Human Genetics, University of Leipzig Medical Center
Classification: Pathogenic for Vitelliform macular dystrophy 2. Last evaluated: 2026-02-10. Review status: criteria provided, single submitter. Criteria: ACMG Guidelines, 2015. Collection method: clinical testing. Allele origin: unknown. Inheritance: Autosomal dominant inheritance. Affected: yes.
Comment: Criteria applied: PM5_STR,PM1,PS4_SUP,PM2_SUP,PP3,PP4

Labcorp Genetics (formerly Invitae), Labcorp
Classification: Pathogenic. Last evaluated: 2025-12-21. Review status: criteria provided, single submitter. Criteria: Invitae Variant Classification Sherloc (09022015). Collection method: clinical testing. Allele origin: germline.
Comment: This sequence change replaces arginine, which is basic and polar, with tryptophan, which is neutral and slightly polar, at codon 25 of the BEST1 protein (p.Arg25Trp). The frequency data for this variant in the population databases is considered unreliable, as metrics indicate poor data quality at this position in the gnomAD database. This missense change has been observed in individuals with autosomal dominant Best vitelliform macular dystrophy (PMID: 10854112, 20057903, 23213274, 26201355). It has also been observed to segregate with disease in related individuals. ClinVar contains an entry for this variant (Variation ID: 99751). Invitae Evidence Modeling of protein sequence and biophysical properties (such as structural, functional, and spatial information, amino acid conservation, physicochemical variation, residue mobility, and thermodynamic stability) indicates that this missense variant is expected to disrupt BEST1 protein function with a positive predictive value of 95%. This variant disrupts the p.Arg25 amino acid residue in BEST1. Other variant(s) that disrupt this residue have been determined to be pathogenic (PMID: 9700209, 23290749). This suggests that this residue is clinically significant, and that variants that disrupt this residue are likely to be disease-causing. For these reasons, this variant has been classified as Pathogenic.

Blueprint Genetics
Classification: Pathogenic for BEST1-related disorders. Last evaluated: 2024-02-15. Review status: criteria provided, single submitter. Criteria: ACMG Guidelines, 2015. Collection method: clinical testing. Allele origin: germline. Affected: yes. Observed: 5 variant alleles.

Institute of Medical Molecular Genetics, University of Zurich
Classification: Likely pathogenic for Vitelliform macular dystrophy 2. Last evaluated: 2021-01-30. Review status: criteria provided, single submitter. Criteria: ACMG Guidelines, 2015. Collection method: clinical testing. Allele origin: unknown. Affected: yes.

Institute of Human Genetics, Univ. Regensburg, Univ. Regensburg
Classification: Pathogenic for Retinal dystrophy. Last evaluated: 2013-01-01. Review status: criteria provided, single submitter. Criteria: ACMG Guidelines, 2015. Collection method: clinical testing. Allele origin: germline. Affected: yes.

Retina International
No classification provided. Review status: no classification provided. Collection method: not provided. Allele origin: not provided. Not counted in ClinVar's aggregate classification.

Literature cited by the submitters: PubMed 10854112 (cited by Labcorp Genetics (formerly Invitae), Labcorp and Institute of Human Genetics, Univ. Regensburg, Univ. Regensburg); PubMed 20057903 (cited by Labcorp Genetics (formerly Invitae), Labcorp); PubMed 23213274 (cited by Labcorp Genetics (formerly Invitae), Labcorp); PubMed 26201355 (cited by Labcorp Genetics (formerly Invitae), Labcorp); PubMed 9700209 (cited by Labcorp Genetics (formerly Invitae), Labcorp); PubMed 23290749 (cited by Labcorp Genetics (formerly Invitae), Labcorp); PubMed 28687848 (cited by Institute of Human Genetics, Univ. Regensburg, Univ. Regensburg); PubMed 34240658 (cited by Institute of Human Genetics, Univ. Regensburg, Univ. Regensburg); PubMed 36460718 (cited by Institute of Human Genetics, Univ. Regensburg, Univ. Regensburg); PubMed 36284460 (cited by Institute of Human Genetics, Univ. Regensburg, Univ. Regensburg); PubMed 35973442 (cited by Institute of Human Genetics, Univ. Regensburg, Univ. Regensburg).